The following is an entry in ClinVar:

ClinVar aggregate classification (germline): Uncertain significance (1 of 4 stars; one submission).

Allele frequency attached by ClinVar (database versions not stated): TOPMed below 0.00001.

Submission:

Labcorp Genetics (formerly Invitae), Labcorp
Classification: Uncertain significance. Last evaluated: 2023-11-18. Review status: criteria provided, single submitter. Criteria: Invitae Variant Classification Sherloc (09022015). Collection method: clinical testing. Allele origin: germline.
Comment: This sequence change creates a premature translational stop signal (p.Glu645*) in the ANKZF1 gene. It is expected to result in an absent or disrupted protein product. However, the current clinical and genetic evidence is not sufficient to establish whether loss-of-function variants in ANKZF1 cause disease. This variant is not present in population databases (gnomAD no frequency). This variant has not been reported in the literature in individuals affected with ANKZF1-related conditions. In summary, the available evidence is currently insufficient to determine the role of this variant in disease. Therefore, it has been classified as a Variant of Uncertain Significance.

NM_018089.3(ANKZF1):c.1933G>T (p.Glu645Ter)

Gene: ANKZF1 (ankyrin repeat and zinc finger peptidyl tRNA hydrolase 1; plus strand). Cytogenetic location: 2q35.
Variant type: single nucleotide variant.
Coding change: c.1933G>T on transcript NM_018089.3 (MANE Select); coding-DNA position 1933, G replaced by T.
Protein change: p.Glu645Ter; replaces glutamic acid 645 with a stop codon.
Molecular consequence: nonsense.
Genome position (GRCh38, 1-based): chr2:219,235,837, G>T. VCF-style: chr2-219235837-G-T. GRCh37 (hg19) VCF-style: chr2-220100559-G-T.
Other names: c.1933G>T, p.Glu645Ter (NM_001042410.2); c.1303G>T, p.Glu435Ter (NM_001282792.2); short protein forms E645*, E435*.
Identifiers: ClinVar variation 2794910 (VCV002794910.3), dbSNP rs754747801, ClinGen allele CA350688157.